The following is an entry in ClinVar:

ClinVar aggregate classification (germline): Pathogenic. Review status: criteria provided, multiple submitters, no conflicts (2 of 4 stars). 2 submissions from 2 submitters: Pathogenic (2). Last evaluated 2026-07-22.

Conditions:
Inherited MMR deficiency (Lynch syndrome).
Hereditary cancer-predisposing syndrome. Also called: Hereditary Cancer Syndrome; Hereditary neoplastic syndrome; Neoplastic Syndromes, Hereditary; Tumor predisposition. Identifiers: Orphanet 140162, MedGen C0027672, MeSH D009386, MONDO:0015356.

Submissions (2):

Genetics Laboratory, Great Ormond Street Hospital NHS Foundation Trust, North Thames Genomic Laboratory Hub
Classification: Pathogenic for Inherited MMR deficiency (Lynch syndrome). Last evaluated: 2026-07-22. Review status: criteria provided, single submitter. Criteria: CanVIG MMR Gene Specific V1.7. Collection method: clinical testing. Allele origin: germline. Affected: yes.
Comment: PM2_supporting, PVS1_very-strong, PP4_supporting

Ambry Genetics
Classification: Pathogenic for Hereditary cancer-predisposing syndrome. Last evaluated: 2021-09-22. Review status: criteria provided, single submitter. Criteria: Ambry Variant Classification Scheme 2023. Collection method: clinical testing. Allele origin: germline.
Comment: The p.Y1128* pathogenic mutation (also known as c.3384T>G), located in coding exon 5 of the MSH6 gene, results from a T to G substitution at nucleotide position 3384. This changes the amino acid from a tyrosine to a stop codon within coding exon 5. This alteration is expected to result in loss of function by premature protein truncation or nonsense-mediated mRNA decay. As such, this alteration is interpreted as a disease-causing mutation.

NM_000179.3(MSH6):c.3384T>G (p.Tyr1128Ter)

Gene: MSH6 (mutS homolog 6; plus strand). Cytogenetic location: 2p16.3.
Variant type: single nucleotide variant.
Coding change: c.3384T>G on transcript NM_000179.3 (MANE Select); coding-DNA position 3384, T replaced by G.
Protein change: p.Tyr1128Ter; replaces tyrosine 1128 with a stop codon.
Molecular consequence: nonsense.
Genome position (GRCh38, 1-based): chr2:47,803,631, T>G. VCF-style: chr2-47803631-T-G. GRCh37 (hg19) VCF-style: chr2-48030770-T-G.
Other names: c.2478T>G, p.Tyr826Ter (NM_001406816.1, NM_001406823.1, NM_001281493.2 and 6 more transcripts); c.1818T>G, p.Tyr606Ter (NM_001406817.1); c.3087T>G, p.Tyr1029Ter (NM_001406818.1, NM_001406819.1, NM_001406820.1 and 10 more transcripts); c.2994T>G, p.Tyr998Ter (NM_001281492.2); c.3480T>G, p.Tyr1160Ter (NM_001406795.1, NM_001406802.1); c.3384T>G, p.Tyr1128Ter (NM_001406796.1, NM_001406800.1, NM_001406808.1 and 1 more transcripts); c.3210T>G, p.Tyr1070Ter (NM_001406798.1); c.2859T>G, p.Tyr953Ter (NM_001406799.1, NM_001406806.1, NM_001406807.1); and 7 more; short protein forms Y1070*, Y443*, Y77*, Y826*, Y840*, Y1029*, Y1130*, Y1160*.
Identifiers: ClinVar variation 1730845 (VCV001730845.3), dbSNP rs544518097, ClinGen allele CA346758831.